The following is an entry in ClinVar:

ClinVar aggregate classification (germline): Uncertain significance (1 of 4 stars; one submission).

Conditions:
Hepatic methionine adenosyltransferase deficiency. Also called: MAT I/III DEFICIENCY; Deficiency of methionine adenosyltransferase; Isolated Persistent Hypermethioninemia; Methionine adenosyltransferase deficiency. Identifiers: Orphanet 168598, MedGen C0268621, MeSH C564683, MONDO:0009607, OMIM 250850.

Allele frequency attached by ClinVar (database versions not stated): gnomAD exomes 0.00001.
gnomAD v4.1: 8 of 1,614,098 alleles (0.0005%); highest among the groups gnomAD compares: East Asian, 0.0045%; no homozygotes.

Submission:

Labcorp Genetics (formerly Invitae), Labcorp
Classification: Uncertain significance for Hepatic methionine adenosyltransferase deficiency. Last evaluated: 2023-10-13. Review status: criteria provided, single submitter. Criteria: Invitae Variant Classification Sherloc (09022015). Collection method: clinical testing. Allele origin: germline.
Comment: This sequence change replaces glutamic acid, which is acidic and polar, with lysine, which is basic and polar, at codon 145 of the MAT1A protein (p.Glu145Lys). This variant is not present in population databases (gnomAD no frequency). This missense change has been observed in individuals with autosomal recessive hypermethioninemia (PMID: 24231718, 26289392). Advanced modeling of protein sequence and biophysical properties (such as structural, functional, and spatial information, amino acid conservation, physicochemical variation, residue mobility, and thermodynamic stability) performed at Invitae indicates that this missense variant is expected to disrupt MAT1A protein function. In summary, the available evidence is currently insufficient to determine the role of this variant in disease. Therefore, it has been classified as a Variant of Uncertain Significance.

Literature cited by the submitters: PubMed 24231718; PubMed 26289392.

NM_000429.3(MAT1A):c.433G>A (p.Glu145Lys)

Gene: MAT1A (methionine adenosyltransferase 1A; minus strand). Cytogenetic location: 10q22.3.
Variant type: single nucleotide variant.
Coding change: c.433G>A on transcript NM_000429.3 (MANE Select); coding-DNA position 433, G replaced by A.
Protein change: p.Glu145Lys; replaces glutamic acid 145 with lysine.
Molecular consequence: missense variant.
Genome position (GRCh38, 1-based): chr10:80,280,289, C>T on the plus strand (G>A on the coding strand, the complement: MAT1A is on the minus strand). VCF-style: chr10-80280289-C-T. GRCh37 (hg19) VCF-style: chr10-82040045-C-T.
Other names: short protein forms E145K.
Identifiers: ClinVar variation 2735427 (VCV002735427.3), dbSNP rs867277108, ClinGen allele CA210326938.